The following is an entry in ClinVar:

ClinVar aggregate classification (germline): Likely pathogenic (1 of 4 stars; one submission).

Conditions:
Hypophosphatasia. Also called: Phosphoethanol-aminuria. Identifiers: Orphanet 436, MedGen C0020630, MeSH D007014, MONDO:0018570.

Submission:

Genomenon, Inc
Classification: Likely pathogenic for Hypophosphatasia. Last evaluated: 2025-08-29. Review status: criteria provided, single submitter. Criteria: Genomenon Sequence Variant Interpretation Standards. Collection method: curation. Allele origin: germline. Affected: yes.
Comment: ALPL Gly426Cys (c.1276G>T) is a missense variant that changes the amino acid at residue 426 from Glycine to Cysteine. This variant has been observed in at least one proband affected with hypophosphatasia (PMID:10834525). At least one functional study has demonstrated a substantial alteration in protein function relative to the wild-type (PMID:15660230;10834525;28000043). It is absent or not present at a significant frequency in gnomAD. In silico models agree that this variant is possibly or probably damaging. In conclusion, we classify ALPL p.Gly426Cys (c.1276G>T) as a likely pathogenic variant.

Literature cited by the submitters: PubMed 15660230; PubMed 10834525; PubMed 28000043.

NM_000478.6(ALPL):c.1276G>T (p.Gly426Cys)

Gene: ALPL (alkaline phosphatase, biomineralization associated; plus strand). Cytogenetic location: 1p36.12.
Variant type: single nucleotide variant.
Coding change: c.1276G>T on transcript NM_000478.6 (MANE Select); coding-DNA position 1276, G replaced by T.
Protein change: p.Gly426Cys; replaces glycine 426 with cysteine.
Molecular consequence: missense variant.
Genome position (GRCh38, 1-based): chr1:21,576,608, G>T. VCF-style: chr1-21576608-G-T. GRCh37 (hg19) VCF-style: chr1-21903101-G-T.
Other names: c.1111G>T, p.Gly371Cys (NM_001127501.4); c.1045G>T, p.Gly349Cys (NM_001177520.3); c.1276G>T, p.Gly426Cys (NM_001369803.2, NM_001369804.2, NM_001369805.2); short protein forms G349C, G371C, G426C.
Identifiers: ClinVar variation 4086887 (VCV004086887.1).